The following is an entry in ClinVar:

NM_002185.5(IL7R):c.639_640insTTTTTTTTTTTTTTTTTTTTNNNNNNNNNNTGATCCGCCCGCCTCGGCCTCCCAAAGTGCTGGGATTACAGGCGTGAGCCACCGCGCCCGGCCCCCTGATCACTATTTT (p.Lys214delinsPhePhePhePhePhePheXaaXaaXaaXaaTer)

Gene: IL7R (interleukin 7 receptor; plus strand). Cytogenetic location: 5p13.2.
Variant type: Insertion.
Coding change: c.639_640insTTTTTTTTTTTTTTTTTTTTNNNNNNNNNNTGATCCGCCCGCCTCGGCCTCCCAAAGTGCTGGGATTACAGGCGTGAGCCACCGCGCCCGGCCCCCTGATCACTATTTT on transcript NM_002185.5 (MANE Select); coding-DNA positions 639 to 640, TTTTTTTTTTTTTTTTTTTTNNNNNNNNNNTGATCCGCCCGCCTCGGCCTCCCAAAGTGCTGGGATTACAGGCGTGAGCCACCGCGCCCGGCCCCCTGATCACTATTTT inserted.
Protein change: p.Lys214delinsPhePhePhePhePhePheXaaXaaXaaXaaTer.
Molecular consequence: nonsense.
Genome position: GRCh38: chr5:35,873,581-35,873,582. GRCh37 (hg19): chr5:35,873,683-35,873,684.
Other names: c.639_640insTTTTTTTTTTTTTTTTTTTTNNNNNNNNNNTGATCCGCCCGCCTCGGCCTCCCAAAGTGCTGGGATTACAGGCGTGAGCCACCGCGCCCGGCCCCCTGATCACTATTTT, p.Lys214delinsPhePhePhePhePhePheXaaXaaXaaXaaTer (NM_001410734.1).
Identifiers: ClinVar variation 2697973 (VCV002697973.3), dbSNP rs2531575374.

ClinVar aggregate classification (germline): Pathogenic (1 of 4 stars; one submission).

Conditions:
Immunodeficiency 104. Also called: Severe Combined Immune Deficiency, Autosomal Recessive, TCell -Negative, B Cell-Positive, NK Cell-Positive, IL7R-Related; Severe combined immunodeficiency, autosomal recessive, T cell-negative, B cell-positive, NK cell-positive; SCID, AUTOSOMAL RECESSIVE, T CELL-NEGATIVE, B CELL-POSITIVE, NK CELL-POSITIVE; IMMUNODEFICIENCY 104, SEVERE COMBINED. Identifiers: MedGen C5676890, MONDO:0012163, OMIM 608971.

Submission:

Labcorp Genetics (formerly Invitae), Labcorp
Classification: Pathogenic for Immunodeficiency 104. Last evaluated: 2023-11-21. Review status: criteria provided, single submitter. Criteria: Invitae Variant Classification Sherloc (09022015). Collection method: clinical testing. Allele origin: germline.
Comment: This sequence change inserts a large fragment of DNA, likely a transposable element, in exon 5 of the IL7R gene (c.639_640ins?), causing a frameshift at codon 215 (p.Gly215fs). The exact size and sequence of the insertion cannot be determined by the current assay. However, the insertion is expected to result in an absent or disrupted protein product. This variant has not been reported in the literature in individuals affected with IL7R-related conditions. Retrotransposon insertions including LINE1 (L1), Alu, and SVA (SINE-VNTR-Alu) have been reported to be disease-causing through disruption of either a coding region or splice site (PMID: 19763152, 20307669, 22406018) and loss-of-function variants in IL7R are known to be pathogenic (PMID: 21664875, 26123418). For these reasons, this variant has been classified as Pathogenic.

Literature cited by the submitters: PubMed 19763152; PubMed 20307669; PubMed 22406018; PubMed 21664875; PubMed 26123418.